The following is an entry in ClinVar:

ClinVar aggregate classification (germline): Conflicting classifications of pathogenicity. Review status: criteria provided, conflicting classifications (1 of 4 stars). 3 submissions from 3 submitters: Uncertain significance (2); Benign (1). Last evaluated 2025-10-18.

Conditions:
Inborn genetic diseases. Identifiers: MedGen C0950123, MeSH D030342.
PIEZO1-related disorder. Also called: PIEZO1-related condition; PIEZO1-Related Disorders.

gnomAD v4.1: 4 of 1,550,424 alleles (0.00026%); highest among the groups gnomAD compares: Admixed American, 0.0078%; no homozygotes.

Submissions (3):

Ambry Genetics
Classification: Uncertain significance for Inborn genetic diseases. Last evaluated: 2025-10-18. Review status: criteria provided, single submitter. Criteria: Ambry Variant Classification Scheme 2023. Collection method: clinical testing. Allele origin: germline.

PreventionGenetics, part of Exact Sciences
Classification: Uncertain significance for PIEZO1-related condition. Last evaluated: 2025-04-21. Review status: criteria provided, single submitter. Criteria: ACMG Guidelines, 2015. Collection method: clinical testing. Allele origin: germline.
Comment: The PIEZO1 c.3819C>G variant is predicted to result in the amino acid substitution p.Asp1273Glu. To our knowledge, this variant has not been reported in the literature. This variant is reported in 0.016% of alleles in individuals of Latino descent in gnomAD. At this time, the clinical significance of this variant is uncertain due to the absence of conclusive functional and genetic evidence.

Labcorp Genetics (formerly Invitae), Labcorp
Classification: Benign. Last evaluated: 2025-03-12. Review status: criteria provided, single submitter. Criteria: Invitae Variant Classification Sherloc (09022015). Collection method: clinical testing. Allele origin: germline.

NM_001142864.4(PIEZO1):c.3819C>G (p.Asp1273Glu)

Gene: PIEZO1 (piezo type mechanosensitive ion channel component 1 (Er blood group); minus strand). Cytogenetic location: 16q24.3.
Variant type: single nucleotide variant.
Coding change: c.3819C>G on transcript NM_001142864.4 (MANE Select); coding-DNA position 3819, C replaced by G.
Protein change: p.Asp1273Glu; replaces aspartic acid 1273 with glutamic acid.
Molecular consequence: missense variant.
Genome position (GRCh38, 1-based): chr16:88,726,433, G>C on the plus strand (C>G on the coding strand, the complement: PIEZO1 is on the minus strand). VCF-style: chr16-88726433-G-C. GRCh37 (hg19) VCF-style: chr16-88792841-G-C.
Other names: c.3819C>G (NM_001142864.3); short protein forms D1273E.
Identifiers: ClinVar variation 4627488 (VCV004627488.3).